The following is an entry in ClinVar:

NM_005121.3(MED13):c.3676C>G (p.Arg1226Gly)

Gene: MED13 (mediator complex subunit 13; minus strand). Cytogenetic location: 17q23.2.
Variant type: single nucleotide variant.
Coding change: c.3676C>G on transcript NM_005121.3 (MANE Select); coding-DNA position 3676, C replaced by G.
Protein change: p.Arg1226Gly; replaces arginine 1226 with glycine.
Molecular consequence: missense variant.
Genome position (GRCh38, 1-based): chr17:61,982,327, G>C on the plus strand (C>G on the coding strand, the complement: MED13 is on the minus strand). VCF-style: chr17-61982327-G-C. GRCh37 (hg19) VCF-style: chr17-60059688-G-C.
Other names: c.3676C>G (NM_005121.2); short protein forms R1226G.
Identifiers: ClinVar variation 1328203 (VCV001328203.12), dbSNP rs367927155, ClinGen allele CA8692614.

ClinVar aggregate classification (germline): Conflicting classifications of pathogenicity. Review status: criteria provided, conflicting classifications (1 of 4 stars). 5 submissions from 5 submitters: Uncertain significance (1); Likely benign (2). 2 of the submissions do not count toward it. Last evaluated 2026-07-01.

Conditions:
Inborn genetic diseases. Identifiers: MedGen C0950123, MeSH D030342.
Intellectual developmental disorder 61. Also called: INTELLECTUAL DEVELOPMENTAL DISORDER, AUTOSOMAL DOMINANT 61; MENTAL RETARDATION, AUTOSOMAL DOMINANT 61. Identifiers: MedGen C5231400, MONDO:0032485, OMIM 618009.

gnomAD v4.1: 234 of 1,614,062 alleles (0.014%); highest among the groups gnomAD compares: Middle Eastern, 0.16%; 1 homozygote.

Submissions (5):

CeGaT Center for Human Genetics Tuebingen
Classification: Likely benign. Last evaluated: 2026-07-01. Review status: criteria provided, single submitter. Criteria: CeGaT Center For Human Genetics Tuebingen Variant Classification Criteria Version 2. Collection method: clinical testing. Allele origin: germline. Affected: yes. Observed: 3 variant alleles.
Comment: MED13: BS1

Revvity Omics, Revvity
Classification: Uncertain significance for Intellectual developmental disorder 61. Last evaluated: 2024-11-22. Review status: criteria provided, single submitter. Criteria: ACMG Guidelines, 2015. Collection method: clinical testing. Allele origin: germline.

Ambry Genetics
Classification: Likely benign for Inborn genetic diseases. Last evaluated: 2024-03-25. Review status: criteria provided, single submitter. Criteria: Ambry Variant Classification Scheme 2023. Collection method: clinical testing. Allele origin: germline.

Clinical Genetics DNA and cytogenetics Diagnostics Lab, Erasmus MC, Erasmus Medical Center
Classification: Uncertain significance. Review status: no assertion criteria provided. Collection method: clinical testing. Allele origin: germline. Affected: yes. Study: VKGL Data-share Consensus. Not counted in ClinVar's aggregate classification.

Diagnostic Laboratory, Department of Genetics, University Medical Center Groningen
Classification: Uncertain significance. Review status: no assertion criteria provided. Collection method: clinical testing. Allele origin: germline. Affected: yes. Study: VKGL Data-share Consensus. Not counted in ClinVar's aggregate classification.